The following is an entry in ClinVar:

NM_178822.5(IGSF10):c.7565T>A (p.Met2522Lys)

Gene: IGSF10 (immunoglobulin superfamily member 10; minus strand). Cytogenetic location: 3q25.1.
Variant type: single nucleotide variant.
Coding change: c.7565T>A on transcript NM_178822.5 (MANE Select); coding-DNA position 7565, T replaced by A.
Protein change: p.Met2522Lys; replaces methionine 2522 with lysine.
Molecular consequence: missense variant.
Genome position (GRCh38, 1-based): chr3:151,436,996, A>T on the plus strand (T>A on the coding strand, the complement: IGSF10 is on the minus strand). VCF-style: chr3-151436996-A-T. GRCh37 (hg19) VCF-style: chr3-151154784-A-T.
Other names: c.1502T>A, p.Met501Lys (NM_001178145.3, NM_001178146.3); c.7565T>A, p.Met2522Lys (NM_001385060.1, NM_001385061.1, NM_001385062.1 and 1 more transcripts); short protein forms M501K, M2522K.
Identifiers: ClinVar variation 2751965 (VCV002751965.3), dbSNP rs2474429275, ClinGen allele CA354985444.

ClinVar aggregate classification (germline): Uncertain significance (1 of 4 stars; one submission).

Submission:

Labcorp Genetics (formerly Invitae), Labcorp
Classification: Uncertain significance. Last evaluated: 2023-08-11. Review status: criteria provided, single submitter. Criteria: Invitae Variant Classification Sherloc (09022015). Collection method: clinical testing. Allele origin: germline.
Comment: In summary, the available evidence is currently insufficient to determine the role of this variant in disease. Therefore, it has been classified as a Variant of Uncertain Significance. An algorithm developed to predict the effect of missense changes on protein structure and function (PolyPhen-2) suggests that this variant is likely to be tolerated. This variant has not been reported in the literature in individuals affected with IGSF10-related conditions. This variant is not present in population databases (gnomAD no frequency). This sequence change replaces methionine, which is neutral and non-polar, with lysine, which is basic and polar, at codon 2522 of the IGSF10 protein (p.Met2522Lys).